The following is an entry in ClinVar:

ClinVar aggregate classification (germline): Uncertain significance (1 of 4 stars; one submission).

Conditions:
Hereditary cancer-predisposing syndrome. Also called: Hereditary neoplastic syndrome; Neoplastic Syndromes, Hereditary; Tumor predisposition; Hereditary Cancer Syndrome. Identifiers: Orphanet 140162, MedGen C0027672, MeSH D009386, MONDO:0015356.

Submission:

Ambry Genetics
Classification: Uncertain significance for Hereditary cancer-predisposing syndrome. Last evaluated: 2026-02-02. Review status: criteria provided, single submitter. Criteria: Ambry Variant Classification Scheme 2023. Collection method: clinical testing. Allele origin: germline.
Comment: The c.7789-4A>C intronic variant results from an A to C substitution 4 nucleotides upstream from coding exon 52 in the ATM gene. This nucleotide position is not well conserved in available vertebrate species. In silico splice site analysis predicts that this alteration will not have any significant effect on splicing. Based on the available evidence, the clinical significance of this variant remains unclear.

NM_000051.4(ATM):c.7789-4A>C

Genes: ATM (ATM serine/threonine kinase; plus strand), C11orf65 (chromosome 11 open reading frame 65; minus strand). Cytogenetic location: 11q22.3.
Variant type: single nucleotide variant.
Coding change: c.7789-4A>C on transcript NM_000051.4 (MANE Select); 4 bases into the intron before coding-DNA position 7789, A replaced by C.
Molecular consequence: intron variant.
Genome position (GRCh38, 1-based): chr11:108,332,758, A>C. VCF-style: chr11-108332758-A-C. GRCh37 (hg19) VCF-style: chr11-108203485-A-C.
Other names: c.7789-4A>C (NM_001351834.2); c.641-23687T>G (NM_001330368.2); c.*38+2462T>G (NM_001351110.2).
Identifiers: ClinVar variation 1760623 (VCV001760623.3), dbSNP rs2086401774, ClinGen allele CA2580083548.